The following is an entry in ClinVar:

ClinVar aggregate classification (germline): Uncertain significance (1 of 4 stars; one submission).

Conditions:
POLD1-related polyposis and colorectal cancer syndrome (CRCS10). Also called: Colorectal cancer, susceptibility to, 10; Colorectal cancer 10; COLORECTAL CANCER, SUSCEPTIBILITY TO, ON CHROMOSOME 19q. Identifiers: Orphanet 220460, MedGen C2675481, MONDO:0012953, OMIM 612591.

Allele frequency attached by ClinVar (database versions not stated): gnomAD exomes below 0.00001.
gnomAD v4.1: 1 of 1,563,526 alleles (0.000064%); highest among the groups gnomAD compares: Non-Finnish European, 0.000087%; no homozygotes.

Submission:

Labcorp Genetics (formerly Invitae), Labcorp
Classification: Uncertain significance for POLD1-related polyposis and colorectal cancer syndrome. Last evaluated: 2023-05-12. Review status: criteria provided, single submitter. Criteria: Invitae Variant Classification Sherloc (09022015). Collection method: clinical testing. Allele origin: germline.
Comment: This variant is not present in population databases (gnomAD no frequency). In summary, the available evidence is currently insufficient to determine the role of this variant in disease. Therefore, it has been classified as a Variant of Uncertain Significance. Algorithms developed to predict the effect of missense changes on protein structure and function output the following: SIFT: "Not Available"; PolyPhen-2: "Benign"; Align-GVGD: "Not Available". The arginine amino acid residue is found in multiple mammalian species, which suggests that this missense change does not adversely affect protein function. ClinVar contains an entry for this variant (Variation ID: 650412). This variant has not been reported in the literature in individuals affected with POLD1-related conditions. This sequence change replaces glutamine, which is neutral and polar, with arginine, which is basic and polar, at codon 51 of the POLD1 protein (p.Gln51Arg).

NM_002691.4(POLD1):c.152A>G (p.Gln51Arg)

Gene: POLD1 (DNA polymerase delta 1, catalytic subunit; plus strand). Cytogenetic location: 19q13.33.
Variant type: single nucleotide variant.
Coding change: c.152A>G on transcript NM_002691.4 (MANE Select); coding-DNA position 152, A replaced by G.
Protein change: p.Gln51Arg; replaces glutamine 51 with arginine.
Molecular consequence: missense variant. On other transcripts: non-coding transcript variant (1).
Genome position (GRCh38, 1-based): chr19:50,399,003, A>G. VCF-style: chr19-50399003-A-G. GRCh37 (hg19) VCF-style: chr19-50902260-A-G.
Other names: c.152A>G, p.Gln51Arg (NM_001256849.1, NM_001308632.1); short protein forms Q51R.
Identifiers: ClinVar variation 650412 (VCV000650412.8), dbSNP rs1601189349, ClinGen allele CA406970257.